The following is an entry in ClinVar:

NM_001127671.2(LIFR):c.561+1G>T

Gene: LIFR (LIF receptor subunit alpha; minus strand). Cytogenetic location: 5p13.1.
Variant type: single nucleotide variant.
Coding change: c.561+1G>T on transcript NM_001127671.2 (MANE Select); the canonical splice donor site of the intron after coding-DNA position 561, G replaced by T.
Molecular consequence: splice donor variant.
Genome position (GRCh38, 1-based): chr5:38,523,418, C>A on the plus strand (G>T on the coding strand, the complement: LIFR is on the minus strand). VCF-style: chr5-38523418-C-A. GRCh37 (hg19) VCF-style: chr5-38523520-C-A.
Other names: c.561+1G>T (NM_002310.6, NM_001364298.2, NM_001364297.2).
Identifiers: ClinVar variation 2804393 (VCV002804393.3), dbSNP rs1746506127, ClinGen allele CA359615182.

ClinVar aggregate classification (germline): Likely pathogenic (1 of 4 stars; one submission).

Allele frequency attached by ClinVar (database versions not stated): gnomAD exomes below 0.00001; gnomAD 0.00001.
gnomAD v4.1: 2 of 1,607,188 alleles (0.00012%); highest among the groups gnomAD compares: African/African-American, 0.0027%; no homozygotes.

Submission:

Labcorp Genetics (formerly Invitae), Labcorp
Classification: Likely pathogenic. Last evaluated: 2023-07-09. Review status: criteria provided, single submitter. Criteria: Invitae Variant Classification Sherloc (09022015). Collection method: clinical testing. Allele origin: germline.
Comment: This sequence change affects a donor splice site in intron 5 of the LIFR gene. It is expected to disrupt RNA splicing. Variants that disrupt the donor or acceptor splice site typically lead to a loss of protein function (PMID: 16199547), and loss-of-function variants in LIFR are known to be pathogenic (PMID: 14740318). This variant is not present in population databases (gnomAD no frequency). This variant has not been reported in the literature in individuals affected with LIFR-related conditions. Algorithms developed to predict the effect of sequence changes on RNA splicing suggest that this variant may disrupt the consensus splice site. In summary, the currently available evidence indicates that the variant is pathogenic, but additional data are needed to prove that conclusively. Therefore, this variant has been classified as Likely Pathogenic.

Literature cited by the submitters: PubMed 16199547; PubMed 14740318.